The following is an entry in ClinVar:

ClinVar aggregate classification (germline): Likely pathogenic. Review status: criteria provided, multiple submitters, no conflicts (2 of 4 stars). 2 submissions from 2 submitters: Likely pathogenic (2). Last evaluated 2024-09-27.

Conditions:
Glycogen storage disease, type V (GSD5). Also called: MCARDLE DISEASE; MUSCLE GLYCOGEN PHOSPHORYLASE DEFICIENCY; MYOPHOSPHORYLASE DEFICIENCY; PYGM DEFICIENCY; McArdle type glycogen storage disease. Identifiers: Orphanet 368, MedGen C0017924, MONDO:0009293, OMIM 232600.
PYGM-related disorder. Also called: PYGM-related condition.

Submissions (2):

Blueprint Genetics
Classification: Likely pathogenic for PYGM-related disorders. Last evaluated: 2024-09-27. Review status: criteria provided, single submitter. Criteria: ACMG Guidelines, 2015. Collection method: clinical testing. Allele origin: germline. Affected: yes. Observed: 1 variant allele.

Johns Hopkins Genomics, Johns Hopkins University
Classification: Likely pathogenic for Glycogen storage disease, type V. Last evaluated: 2024-06-18. Review status: criteria provided, single submitter. Criteria: ACMG Guidelines, 2015. Collection method: clinical testing. Allele origin: germline.
Comment: This PYGM variant is absent from a large population dataset and has not been reported in ClinVar nor the literature, to our knowledge. This frameshift variant (p.Asp284GlyfsTer2) in exon 7 of 20 results in a premature termination codon (PTC), likely leading to nonsense-mediated decay and lack of protein production. We consider c.850dup to be likely pathogenic for autosomal recessive glycogen storage disease type V.

Literature cited by the submitters: PubMed 20301518 (cited by Johns Hopkins Genomics, Johns Hopkins University); PubMed 25914343 (cited by Johns Hopkins Genomics, Johns Hopkins University).

NM_005609.4(PYGM):c.850dup (p.Asp284fs)

Gene: PYGM (glycogen phosphorylase, muscle associated; minus strand). Cytogenetic location: 11q13.1.
Variant type: Duplication.
Coding change: c.850dup on transcript NM_005609.4 (MANE Select); coding-DNA position 850, one base duplicated (G; older notation c.850dupG).
Protein change: p.Asp284fs; shifts the reading frame from aspartic acid 284.
Molecular consequence: frameshift variant.
Genome position (GRCh38, 1-based): chr11:64,755,278, C duplicated on the plus strand (G on the coding strand, the reverse complement: PYGM is on the minus strand). VCF-style (leftmost placement, unchanged base first): chr11-64755277-T-TC. GRCh37 (hg19) VCF-style: chr11-64522749-T-TC.
Other names: c.586dup, p.Asp196fs (NM_001164716.1); short protein forms D196fs, D284fs.
Identifiers: ClinVar variation 4280052 (VCV004280052.2).